The following is an entry in ClinVar:

ClinVar aggregate classification (germline): Uncertain significance. Review status: criteria provided, multiple submitters, no conflicts (2 of 4 stars). 2 submissions from 2 submitters: Uncertain significance (2). Last evaluated 2026-07-31.

Conditions:
Cardiovascular phenotype. Identifiers: MedGen CN230736.
Hereditary cancer-predisposing syndrome. Also called: Hereditary neoplastic syndrome; Hereditary Cancer Syndrome; Neoplastic Syndromes, Hereditary; Tumor predisposition. Identifiers: Orphanet 140162, MedGen C0027672, MeSH D009386, MONDO:0015356.
Neurofibromatosis, type 1 (NF1). Also called: VON RECKLINGHAUSEN DISEASE; Neurofibromatosis, type I; Peripheral type neurofibromatosis; NEUROFIBROMATOSIS, TYPE I, SOMATIC. Identifiers: Orphanet 636, MedGen C0027831, MONDO:0018975, OMIM 162200. Disease mechanism: loss of function.

Submissions (2):

Ambry Genetics
Classification: Uncertain significance for Cardiovascular phenotype; Hereditary cancer-predisposing syndrome. Last evaluated: 2026-07-31. Review status: criteria provided, single submitter. Criteria: Ambry Variant Classification Scheme 2023. Collection method: clinical testing. Allele origin: germline.
Comment: The p.M442I variant (also known as c.1326G>A), located in coding exon 12 of the NF1 gene, results from a G to A substitution at nucleotide position 1326. The methionine at codon 442 is replaced by isoleucine, an amino acid with highly similar properties. This amino acid position is conserved. In addition, this alteration is predicted to be deleterious by in silico analysis. Based on the available evidence, the clinical significance of this variant remains unclear.

Labcorp Genetics (formerly Invitae), Labcorp
Classification: Uncertain significance for Neurofibromatosis, type 1. Last evaluated: 2024-01-05. Review status: criteria provided, single submitter. Criteria: Invitae Variant Classification Sherloc (09022015). Collection method: clinical testing. Allele origin: germline.
Comment: This sequence change replaces methionine, which is neutral and non-polar, with isoleucine, which is neutral and non-polar, at codon 442 of the NF1 protein (p.Met442Ile). This variant is not present in population databases (gnomAD no frequency). This variant has not been reported in the literature in individuals affected with NF1-related conditions. Advanced modeling of protein sequence and biophysical properties (such as structural, functional, and spatial information, amino acid conservation, physicochemical variation, residue mobility, and thermodynamic stability) performed at Invitae indicates that this missense variant is expected to disrupt NF1 protein function with a positive predictive value of 95%. In summary, the available evidence is currently insufficient to determine the role of this variant in disease. Therefore, it has been classified as a Variant of Uncertain Significance.

NM_001042492.3(NF1):c.1326G>A (p.Met442Ile)

Gene: NF1 (neurofibromin 1; plus strand). Cytogenetic location: 17q11.2.
Variant type: single nucleotide variant.
Coding change: c.1326G>A on transcript NM_001042492.3 (MANE Select); coding-DNA position 1326, G replaced by A.
Protein change: p.Met442Ile; replaces methionine 442 with isoleucine.
Molecular consequence: missense variant.
Genome position (GRCh38, 1-based): chr17:31,206,305, G>A. VCF-style: chr17-31206305-G-A. GRCh37 (hg19) VCF-style: chr17-29533323-G-A.
Other names: c.1326G>A, p.Met442Ile (NM_000267.4, NM_001128147.3); short protein forms M442I.
Identifiers: ClinVar variation 2707769 (VCV002707769.4), dbSNP rs2143914505, ClinGen allele CA398999468.
Genomic context (GRCh38, chr17:31,206,305, plus strand): 5'-ATTGGATTGGTGGCCTAAGATTGATGCTGTGTATTGTCACTCGGTTGAACTTCGAAATAT[G>A]TTTGGTGAAACACTTCATAAAGCAGTGCAAGGTTGTGGAGCACACCCAGCAATACGAATG-3'
Protein context (NP_001035957.1, residues 432-452): VYCHSVELRN[Met442Ile]FGETLHKAVQ